The following is an entry in ClinVar:

NM_139276.3(STAT3):c.776G>A (p.Cys259Tyr)

Genes: STAT3 (signal transducer and activator of transcription 3; minus strand), LOC130060888 (ATAC-STARR-seq lymphoblastoid active region 12197; plus strand). Cytogenetic location: 17q21.2.
Variant type: single nucleotide variant.
Coding change: c.776G>A on transcript NM_139276.3 (MANE Select); coding-DNA position 776, G replaced by A.
Protein change: p.Cys259Tyr; replaces cysteine 259 with tyrosine.
Molecular consequence: missense variant.
Genome position (GRCh38, 1-based): chr17:42,337,456, C>T on the plus strand (G>A on the coding strand, the complement: STAT3 is on the minus strand). VCF-style: chr17-42337456-C-T. GRCh37 (hg19) VCF-style: chr17-40489474-C-T.
Other names: c.776G>A, p.Cys259Tyr (NM_001369512.1, NM_001369513.1, NM_001369514.1 and 7 more transcripts); short protein forms C259Y.
Identifiers: ClinVar variation 838586 (VCV000838586.14), dbSNP rs2082274785, ClinGen allele CA399592888.

ClinVar aggregate classification (germline): Uncertain significance (1 of 4 stars; one submission).

Conditions:
STAT3 gain of function. Identifiers: MedGen C4288261.
Hyper-IgE recurrent infection syndrome 1, autosomal dominant. Also called: JOB SYNDROME; Job's Syndrome; STAT3 Hyper IgE Syndrome; Hyper-IgE recurrent infection syndrome 1; HYPER-IgE SYNDROME 1, AUTOSOMAL DOMINANT, WITH RECURRENT INFECTIONS. Identifiers: Orphanet 2314, MedGen C2936739, MONDO:0007818, OMIM 147060.

Submission:

Labcorp Genetics (formerly Invitae), Labcorp
Classification: Uncertain significance for STAT3 gain of function; Hyper-IgE recurrent infection syndrome 1, autosomal dominant. Last evaluated: 2022-11-22. Review status: criteria provided, single submitter. Criteria: Invitae Variant Classification Sherloc (09022015). Collection method: clinical testing. Allele origin: germline.
Comment: In summary, the available evidence is currently insufficient to determine the role of this variant in disease. Therefore, it has been classified as a Variant of Uncertain Significance. Advanced modeling of protein sequence and biophysical properties (such as structural, functional, and spatial information, amino acid conservation, physicochemical variation, residue mobility, and thermodynamic stability) performed at Invitae indicates that this missense variant is expected to disrupt STAT3 protein function. ClinVar contains an entry for this variant (Variation ID: 838586). This variant has not been reported in the literature in individuals affected with STAT3-related conditions. This variant is not present in population databases (gnomAD no frequency). This sequence change replaces cysteine, which is neutral and slightly polar, with tyrosine, which is neutral and polar, at codon 259 of the STAT3 protein (p.Cys259Tyr).